The following is an entry in ClinVar:

ClinVar aggregate classification (germline): Uncertain significance (1 of 4 stars; one submission).

Conditions:
Primary ciliary dyskinesia. Also called: Ciliary dyskinesia. Identifiers: Orphanet 244, MedGen C0008780, MONDO:0016575, HP:0012265.

Allele frequency attached by ClinVar (database versions not stated): gnomAD exomes below 0.00001; gnomAD 0.00001; TOPMed 0.00001.
gnomAD v4.1: 4 of 1,610,368 alleles (0.00025%); highest among the groups gnomAD compares: Admixed American, 0.005%; no homozygotes.

Submission:

Labcorp Genetics (formerly Invitae), Labcorp
Classification: Uncertain significance for Primary ciliary dyskinesia. Last evaluated: 2022-05-07. Review status: criteria provided, single submitter. Criteria: Invitae Variant Classification Sherloc (09022015). Collection method: clinical testing. Allele origin: germline.
Comment: This sequence change replaces tyrosine, which is neutral and polar, with cysteine, which is neutral and slightly polar, at codon 3152 of the DNAH8 protein (p.Tyr3152Cys). This variant is present in population databases (no rsID available, gnomAD 0.006%). This variant has not been reported in the literature in individuals affected with DNAH8-related conditions. Algorithms developed to predict the effect of missense changes on protein structure and function are either unavailable or do not agree on the potential impact of this missense change (SIFT: "Deleterious"; PolyPhen-2: "Not Available"; Align-GVGD: "Class C65"). In summary, the available evidence is currently insufficient to determine the role of this variant in disease. Therefore, it has been classified as a Variant of Uncertain Significance.

NM_001206927.2(DNAH8):c.9455A>G (p.Tyr3152Cys)

Genes: DNAH8 (dynein axonemal heavy chain 8; plus strand), DNAH8-AS1 (DNAH8 antisense RNA 1; minus strand). Cytogenetic location: 6p21.2.
Variant type: single nucleotide variant.
Coding change: c.9455A>G on transcript NM_001206927.2 (MANE Select); coding-DNA position 9455, A replaced by G.
Protein change: p.Tyr3152Cys; replaces tyrosine 3152 with cysteine.
Molecular consequence: missense variant.
Genome position (GRCh38, 1-based): chr6:38,908,062, A>G. VCF-style: chr6-38908062-A-G. GRCh37 (hg19) VCF-style: chr6-38875838-A-G.
Other names: c.8804A>G, p.Tyr2935Cys (NM_001371.4); short protein forms Y2935C, Y3152C.
Identifiers: ClinVar variation 2076058 (VCV002076058.1), dbSNP rs1442918944, ClinGen allele CA364001817.